The following is an entry in ClinVar:

ClinVar aggregate classification (germline): Pathogenic (1 of 4 stars; one submission).

Submission:

Labcorp Genetics (formerly Invitae), Labcorp
Classification: Pathogenic. Last evaluated: 2025-02-09. Review status: criteria provided, single submitter. Criteria: Invitae Variant Classification Sherloc (09022015). Collection method: clinical testing. Allele origin: germline.
Comment: This sequence change creates a premature translational stop signal (p.Tyr485Thrfs*134) in the ARID1A gene. It is expected to result in an absent or disrupted protein product. Loss-of-function variants in ARID1A are known to be pathogenic (PMID: 22426308, 23929685). This variant is not present in population databases (gnomAD no frequency). This variant has not been reported in the literature in individuals affected with ARID1A-related conditions. For these reasons, this variant has been classified as Pathogenic.

Literature cited by the submitters: PubMed 22426308; PubMed 23929685.

NM_006015.6(ARID1A):c.1452del (p.Tyr485fs)

Gene: ARID1A (AT-rich interaction domain 1A; plus strand). Cytogenetic location: 1p36.11.
Variant type: Deletion.
Coding change: c.1452del on transcript NM_006015.6 (MANE Select); coding-DNA position 1452, one base deleted (C; older notation c.1452delC).
Protein change: p.Tyr485fs; shifts the reading frame from tyrosine 485.
Molecular consequence: frameshift variant.
Genome position (GRCh38, 1-based): chr1:26,731,253, C deleted; the last of 3 consecutive C bases (chr1:26,731,251-26,731,253); deleting any one gives the same sequence. VCF-style (leftmost placement, unchanged base first): chr1-26731250-AC-A. GRCh37 (hg19) VCF-style: chr1-27057741-AC-A.
Other names: c.1452del, p.Tyr485fs (NM_139135.4); short protein forms Y485fs.
Identifiers: ClinVar variation 4712639 (VCV004712639.1).